The following is an entry in ClinVar:

NM_203447.4(DOCK8):c.3065C>G (p.Thr1022Ser)

Gene: DOCK8 (dedicator of cytokinesis 8; plus strand). Cytogenetic location: 9p24.3.
Variant type: single nucleotide variant.
Coding change: c.3065C>G on transcript NM_203447.4 (MANE Select); coding-DNA position 3065, C replaced by G.
Protein change: p.Thr1022Ser; replaces threonine 1022 with serine.
Molecular consequence: missense variant.
Genome position (GRCh38, 1-based): chr9:396,879, C>G. VCF-style: chr9-396879-C-G. GRCh37 (hg19) VCF-style: chr9-396879-C-G.
Other names: c.2765C>G, p.Thr922Ser (NM_001190458.2); c.2861C>G, p.Thr954Ser (NM_001193536.2); short protein forms T1022S, T922S, T954S.
Identifiers: ClinVar variation 961476 (VCV000961476.10), dbSNP rs777964441, ClinGen allele CA4958483.

ClinVar aggregate classification (germline): Uncertain significance (1 of 4 stars; one submission).

Conditions:
Combined immunodeficiency due to DOCK8 deficiency (HIES2). Also called: HIES autosomal recessive; DOCK8 Deficiency; Hyper-IgE recurrent infection syndrome, autosomal recessive; HYPER-IgE RECURRENT INFECTION SYNDROME 2, AUTOSOMAL RECESSIVE; HYPER-IgE SYNDROME 2, AUTOSOMAL RECESSIVE, WITH RECURRENT INFECTIONS. Identifiers: Orphanet 217390, MedGen C4722305, MONDO:0009478, OMIM 243700.

Allele frequency attached by ClinVar (database versions not stated): gnomAD exomes below 0.00001 and 0.00001; TOPMed below 0.00001; ExAC 0.00001.
gnomAD v4.1: 14 of 1,614,136 alleles (0.00087%); highest among the groups gnomAD compares: East Asian, 0.0022%; no homozygotes.

Submission:

Labcorp Genetics (formerly Invitae), Labcorp
Classification: Uncertain significance for Combined immunodeficiency due to DOCK8 deficiency. Last evaluated: 2023-10-03. Review status: criteria provided, single submitter. Criteria: Invitae Variant Classification Sherloc (09022015). Collection method: clinical testing. Allele origin: germline.
Comment: This sequence change replaces threonine, which is neutral and polar, with serine, which is neutral and polar, at codon 1022 of the DOCK8 protein (p.Thr1022Ser). This variant is present in population databases (rs777964441, gnomAD 0.0009%). This variant has not been reported in the literature in individuals affected with DOCK8-related conditions. ClinVar contains an entry for this variant (Variation ID: 961476). Advanced modeling of protein sequence and biophysical properties (such as structural, functional, and spatial information, amino acid conservation, physicochemical variation, residue mobility, and thermodynamic stability) performed at Invitae indicates that this missense variant is not expected to disrupt DOCK8 protein function. In summary, the available evidence is currently insufficient to determine the role of this variant in disease. Therefore, it has been classified as a Variant of Uncertain Significance.